The following is an entry in ClinVar:

ClinVar aggregate classification (germline): Likely pathogenic. Review status: criteria provided, single submitter (1 of 4 stars). 2 submissions from 2 submitters: Likely pathogenic (1). 1 of the submissions does not count toward it. Last evaluated 2024-12-27.

Conditions:
Hypermanganesemia with dystonia, polycythemia, and cirrhosis (HMNDYT1). Also called: Cirrhosis - dystonia - polycythemia - hypermanganesemia syndrome; Hypermanganesemia with Dystonia 1; Hepatic Cirrhosis, Dystonia, Polycythemia and Hypermanganesemia. Identifiers: Orphanet 309854, MedGen C2750442, MONDO:0013208, OMIM 613280.

Submissions (2):

Laboratorio de Genetica e Diagnostico Molecular, Hospital Israelita Albert Einstein
Classification: Likely pathogenic for Hypermanganesemia with dystonia, polycythemia, and cirrhosis. Last evaluated: 2024-12-27. Review status: criteria provided, single submitter. Criteria: ACMG Guidelines, 2015. Collection method: clinical testing. Allele origin: germline. Affected: yes.
Comment: ACMG classification criteria: PVS1 strong, PS3 supporting, PM2 supporting, PM3 supporting

GeneReviews
No classification provided. Condition: Hypermanganesemia with dystonia, polycythemia, and cirrhosis. Review status: no classification provided. Collection method: literature only. Allele origin: unknown. Not counted in ClinVar's aggregate classification.

Literature cited by the submitters: PubMed 22934317 (cited by GeneReviews); NCBI Bookshelf NBK100241 (cited by GeneReviews).

NM_018713.3(SLC30A10):c.922C>T (p.Gln308Ter)

Gene: SLC30A10 (solute carrier family 30 member 10; minus strand). Cytogenetic location: 1q41.
Variant type: single nucleotide variant.
Coding change: c.922C>T on transcript NM_018713.3 (MANE Select); coding-DNA position 922, C replaced by T.
Protein change: p.Gln308Ter; replaces glutamine 308 with a stop codon.
Molecular consequence: nonsense. On other transcripts: non-coding transcript variant (2).
Genome position (GRCh38, 1-based): chr1:219,918,291, G>A on the plus strand (C>T on the coding strand, the complement: SLC30A10 is on the minus strand). VCF-style: chr1-219918291-G-A. GRCh37 (hg19) VCF-style: chr1-220091633-G-A.
Other names: c.733C>T, p.Gln245Ter (NM_001376929.1); short protein forms Q308*, Q245*.
Identifiers: ClinVar variation 38410 (VCV000038410.4), dbSNP rs281860290, ClinGen allele CA343056.